The following is an entry in ClinVar:

NM_002661.5(PLCG2):c.1053G>T (p.Met351Ile)

Gene: PLCG2 (phospholipase C gamma 2; plus strand). Cytogenetic location: 16q23.3.
Variant type: single nucleotide variant.
Coding change: c.1053G>T on transcript NM_002661.5 (MANE Select); coding-DNA position 1053, G replaced by T.
Protein change: p.Met351Ile; replaces methionine 351 with isoleucine.
Molecular consequence: missense variant.
Genome position (GRCh38, 1-based): chr16:81,893,775, G>T. VCF-style: chr16-81893775-G-T. GRCh37 (hg19) VCF-style: chr16-81927380-G-T.
Other names: short protein forms M351I.
Identifiers: ClinVar variation 2042573 (VCV002042573.4), dbSNP rs1334682825, ClinGen allele CA396898737.

ClinVar aggregate classification (germline): Uncertain significance (1 of 4 stars; one submission).

Conditions:
Familial cold autoinflammatory syndrome 3 (FCAS3). Also called: FAMILIAL ATYPICAL COLD URTICARIA; ANTIBODY DEFICIENCY AND IMMUNE DYSREGULATION, PLCG2-ASSOCIATED. Identifiers: Orphanet 300359, MedGen C3280914, MONDO:0013766, OMIM 614468.

Allele frequency attached by ClinVar (database versions not stated): TOPMed 0.00001.

Submission:

Labcorp Genetics (formerly Invitae), Labcorp
Classification: Uncertain significance for Familial cold autoinflammatory syndrome 3. Last evaluated: 2024-03-18. Review status: criteria provided, single submitter. Criteria: Invitae Variant Classification Sherloc (09022015). Collection method: clinical testing. Allele origin: germline.
Comment: This sequence change replaces methionine, which is neutral and non-polar, with isoleucine, which is neutral and non-polar, at codon 351 of the PLCG2 protein (p.Met351Ile). This variant is not present in population databases (gnomAD no frequency). This variant has not been reported in the literature in individuals affected with PLCG2-related conditions. ClinVar contains an entry for this variant (Variation ID: 2042573). An algorithm developed to predict the effect of missense changes on protein structure and function (PolyPhen-2) suggests that this variant is likely to be tolerated. In summary, the available evidence is currently insufficient to determine the role of this variant in disease. Therefore, it has been classified as a Variant of Uncertain Significance.